The following is an entry in ClinVar:

ClinVar aggregate classification (germline): Pathogenic. Review status: criteria provided, single submitter (1 of 4 stars). 2 submissions from 2 submitters: Pathogenic (1). 1 of the submissions does not count toward it. Last evaluated 2026-01-13.

Conditions:
Kabuki syndrome 1 (KABUK1). Also called: KMT2D-Related Kabuki Syndrome. Identifiers: Orphanet 2322, MedGen CN030661, MONDO:0007843, OMIM 147920.

Submissions (2):

3billion
Classification: Pathogenic for Kabuki syndrome 1. Last evaluated: 2026-01-13. Review status: criteria provided, single submitter. Criteria: ACMG Guidelines, 2015. Collection method: clinical testing. Allele origin: germline. Affected: yes.
Comment: The variant is not observed in the gnomAD v4.1.0 dataset. Predicted Consequence/Location: Stop-gained (nonsense): predicted to result in a loss or disruption of normal protein function through nonsense-mediated decay (NMD) or protein truncation. Multiple pathogenic variants are reported downstream of the variant. The variant has been reported to be associated with KMT2D-related disorder (ClinVar ID: VCV000981728 /PMID: 23535010). Therefore, this variant is classified as Pathogenic according to the recommendation of ACMG/AMP guideline.

Autoinflammatory diseases unit, CHU de Montpellier
Classification: Pathogenic for Kabuki syndrome 1. Last evaluated: 2013-10-01. Review status: no assertion criteria provided. Collection method: clinical testing. Allele origin: unknown. Affected: yes. Not counted in ClinVar's aggregate classification.

Literature cited by the submitters: PubMed 23535010 (cited by 3billion).

NM_003482.4(KMT2D):c.9829C>T (p.Gln3277Ter)

Gene: KMT2D (lysine methyltransferase 2D; minus strand). Cytogenetic location: 12q13.12.
Variant type: single nucleotide variant.
Coding change: c.9829C>T on transcript NM_003482.4 (MANE Select); coding-DNA position 9829, C replaced by T.
Protein change: p.Gln3277Ter; replaces glutamine 3277 with a stop codon.
Molecular consequence: nonsense.
Genome position (GRCh38, 1-based): chr12:49,037,527, G>A on the plus strand (C>T on the coding strand, the complement: KMT2D is on the minus strand). VCF-style: chr12-49037527-G-A. GRCh37 (hg19) VCF-style: chr12-49431310-G-A.
Other names: short protein forms Q3277*.
Identifiers: ClinVar variation 981728 (VCV000981728.3), dbSNP rs1943280408, ClinGen allele CA384734317.
Genomic context (GRCh38, chr12:49,037,527, plus strand): 5'-AAGACATGGCCTGGGCAGGGCCTGGTGCAGACAGTAGGGAATGCTGCTGCTGCTGTTGCT[G>A]CTGCTGCTGGGCAGGCTGCAACTGTGCTGAAAGCTGCTGCTTCTTCTGCAGCTCCTTCTT-3'